The following is an entry in ClinVar:

NM_012062.5(DNM1L):c.114_115delinsAT (p.Ser39Cys)

Gene: DNM1L (dynamin 1 like; plus strand). Cytogenetic location: 12p11.21.
Variant type: Indel.
Coding change: c.114_115delinsAT on transcript NM_012062.5 (MANE Select); coding-DNA positions 114 to 115, GA replaced by AT.
Protein change: p.Ser39Cys; replaces serine 39 with cysteine.
Molecular consequence: missense variant. On other transcripts: 5 prime UTR variant (1).
Genome position (GRCh38, 1-based): chr12:32,701,426-32,701,427, GA replaced by AT. VCF-style: chr12-32701426-GA-AT. GRCh37 (hg19) VCF-style: chr12-32854360-GA-AT.
Other names: c.114_115delinsAT, p.Ser39Cys (NM_001278463.2, NM_001278464.2, NM_001278465.2 and 3 more transcripts); c.-92_-91delinsAT (NM_001278466.2); short protein forms S39C.
Identifiers: ClinVar variation 2103596 (VCV002103596.4), dbSNP rs2540980628, ClinGen allele CA2580085356.

ClinVar aggregate classification (germline): Uncertain significance (1 of 4 stars; one submission).

Submission:

Labcorp Genetics (formerly Invitae), Labcorp
Classification: Uncertain significance. Last evaluated: 2023-08-10. Review status: criteria provided, single submitter. Criteria: Invitae Variant Classification Sherloc (09022015). Collection method: clinical testing. Allele origin: germline.
Comment: In summary, the available evidence is currently insufficient to determine the role of this variant in disease. Therefore, it has been classified as a Variant of Uncertain Significance. Experimental studies and prediction algorithms are not available or were not evaluated, and the functional significance of this variant is currently unknown. ClinVar contains an entry for this variant (Variation ID: 2103596). This variant has not been reported in the literature in individuals affected with DNM1L-related conditions. Information on the frequency of this variant in the gnomAD database is not available, as this variant may be reported differently in the database. This sequence change replaces serine, which is neutral and polar, with cysteine, which is neutral and slightly polar, at codon 39 of the DNM1L protein (p.Ser39Cys).